The following is an entry in ClinVar:

NC_000002.12:g.(?_47795888)_(47803691_?)del

Gene: MSH6 (mutS homolog 6; plus strand). Cytogenetic location: 2p16.3.
Variant type: Deletion.
Identifiers: ClinVar variation 526000 (VCV000526000.3).

ClinVar aggregate classification (germline): Pathogenic (1 of 4 stars; one submission).

Conditions:
Hereditary nonpolyposis colorectal neoplasms. Identifiers: MedGen C0009405, MeSH D003123.

Submission:

Labcorp Genetics (formerly Invitae), Labcorp
Classification: Pathogenic for Hereditary nonpolyposis colorectal neoplasms. Last evaluated: 2017-10-12. Review status: criteria provided, single submitter. Criteria: Invitae Variant Classification Sherloc (09022015). Collection method: clinical testing. Allele origin: germline.
Comment: Loss-of-function variants in MSH6 are known to be pathogenic (PMID: 18269114, 24362816). For these reasons, this variant has been classified as Pathogenic. Exon 3-5 deletions have not been reported in the literature in individuals with MSH6-related disease. This variant is an out-of-frame deletion of the genomic region encompassing exons 3-5 of the MSH6 gene. This is expected to create a premature translational stop signal and result in an absent or disrupted protein product.

Literature cited by the submitters: PubMed 18269114; PubMed 24362816.